The following is an entry in ClinVar:

ClinVar aggregate classification (germline): Uncertain significance. Review status: criteria provided, multiple submitters, no conflicts (2 of 4 stars). 3 submissions from 3 submitters: Uncertain significance (3). Last evaluated 2025-01-05.

Conditions:
Inborn genetic diseases. Identifiers: MedGen C0950123, MeSH D030342.
Deafness-lymphedema-leukemia syndrome. Also called: Lymphedema, primary, with myelodysplasia; Emberger syndrome. Identifiers: Orphanet 3226, MedGen C3279664, MONDO:0013540, OMIM 614038.
Monocytopenia with susceptibility to infections. Also called: MONOCYTOPENIA AND MYCOBACTERIAL INFECTION SYNDROME; MONOCYTOPENIA WITH SUSCEPTIBILITY TO MYCOBACTERIAL, FUNGAL, AND PAPILLOMAVIRUS INFECTIONS AND MYELODYSPLASIA; COMBINED IMMUNODEFICIENCY WITH SUSCEPTIBILITY TO MYCOBACTERIAL, VIRAL, AND FUNGAL INFECTIONS; Dendritic cell, monocyte, B lymphocyte, and natural killer lymphocyte deficiency; IMMUNODEFICIENCY 21; GATA2 DEFICIENCY. Identifiers: Orphanet 228423, MedGen C3280030, MONDO:0013607, OMIM 614172.
Acute myeloid leukemia (AML). Also called: Acute myeloid leukemia, adult; AML adult; Acute non-lymphocytic leukemia; Acute granulocytic leukemia; Leukemia, acute myeloid, somatic; Leukemia, acute myelogenous, somatic. Identifiers: Orphanet 519, MedGen C0023467, MeSH D015470, MONDO:0018874, OMIM 601626, HP:0004808. Disease mechanism: Constitutively activated FLT3.

Allele frequency attached by ClinVar (database versions not stated): gnomAD exomes below 0.00001.

Submissions (3):

Ambry Genetics
Classification: Uncertain significance for Inborn genetic diseases. Last evaluated: 2025-01-05. Review status: criteria provided, single submitter. Criteria: Ambry Variant Classification Scheme 2023. Collection method: clinical testing. Allele origin: germline.
Comment: The p.P87S variant (also known as c.259C>T), located in coding exon 2 of the GATA2 gene, results from a C to T substitution at nucleotide position 259. The proline at codon 87 is replaced by serine, an amino acid with similar properties. This amino acid position is conserved. In addition, this alteration is predicted to be deleterious by in silico analysis. Based on the available evidence, the clinical significance of this variant remains unclear.

Baylor Genetics
Classification: Uncertain significance for Acute myeloid leukemia. Last evaluated: 2023-05-11. Review status: criteria provided, single submitter. Criteria: ACMG Guidelines, 2015. Collection method: clinical testing. Allele origin: unknown.

Labcorp Genetics (formerly Invitae), Labcorp
Classification: Uncertain significance for Monocytopenia with susceptibility to infections; Deafness-lymphedema-leukemia syndrome. Last evaluated: 2022-09-01. Review status: criteria provided, single submitter. Criteria: Invitae Variant Classification Sherloc (09022015). Collection method: clinical testing. Allele origin: germline.
Comment: In summary, the available evidence is currently insufficient to determine the role of this variant in disease. Therefore, it has been classified as a Variant of Uncertain Significance. Advanced modeling of protein sequence and biophysical properties (such as structural, functional, and spatial information, amino acid conservation, physicochemical variation, residue mobility, and thermodynamic stability) performed at Invitae indicates that this missense variant is not expected to disrupt GATA2 protein function. This variant has not been reported in the literature in individuals affected with GATA2-related conditions. This variant is not present in population databases (gnomAD no frequency). This sequence change replaces proline, which is neutral and non-polar, with serine, which is neutral and polar, at codon 87 of the GATA2 protein (p.Pro87Ser).

NM_032638.5(GATA2):c.259C>T (p.Pro87Ser)

Gene: GATA2 (GATA binding protein 2; minus strand). Cytogenetic location: 3q21.3.
Variant type: single nucleotide variant.
Coding change: c.259C>T on transcript NM_032638.5 (MANE Select); coding-DNA position 259, C replaced by T.
Protein change: p.Pro87Ser; replaces proline 87 with serine.
Molecular consequence: missense variant.
Genome position (GRCh38, 1-based): chr3:128,486,339, G>A on the plus strand (C>T on the coding strand, the complement: GATA2 is on the minus strand). VCF-style: chr3-128486339-G-A. GRCh37 (hg19) VCF-style: chr3-128205182-G-A.
Other names: c.259C>T, p.Pro87Ser (NM_001145661.2, NM_001145662.1); short protein forms P87S.
Identifiers: ClinVar variation 2062407 (VCV002062407.6), dbSNP rs1260113676, ClinGen allele CA354407792.